The following is an entry in ClinVar:

ClinVar aggregate classification (germline): Benign (1 of 4 stars; one submission).

gnomAD v4.1: 86 of 111,656 alleles (0.077%); highest among the groups gnomAD compares: East Asian, 3.5%; 34 homozygotes.

Submission:

CeGaT Center for Human Genetics Tuebingen
Classification: Benign. Last evaluated: 2025-12-01. Review status: criteria provided, single submitter. Criteria: CeGaT Center For Human Genetics Tuebingen Variant Classification Criteria Version 2. Collection method: clinical testing. Allele origin: germline. Affected: yes. Observed: 2 variant alleles.
Comment: ETV6: BS1, BS2

NM_001987.5(ETV6):c.1009+3833A>G

Gene: ETV6 (ETS variant transcription factor 6; plus strand). Cytogenetic location: 12p13.2.
Variant type: single nucleotide variant.
Coding change: c.1009+3833A>G on transcript NM_001987.5 (MANE Select); 3833 bases into the intron after coding-DNA position 1009, A replaced by G.
Molecular consequence: intron variant.
Genome position (GRCh38, 1-based): chr12:11,873,802, A>G. VCF-style: chr12-11873802-A-G. GRCh37 (hg19) VCF-style: chr12-12026736-A-G.
Other names: c.1009+3833A>G (NM_001413917.1); c.1006+3833A>G (NM_001413913.1); c.745+3833A>G (NM_001413915.1); c.982+3833A>G (NM_001413914.1).
Identifiers: ClinVar variation 3898273 (VCV003898273.7).